The following is an entry in ClinVar:

NM_000043.6(FAS):c.770C>T (p.Ala257Val)

Gene: FAS (Fas cell surface death receptor; plus strand). Cytogenetic location: 10q23.31.
Variant type: single nucleotide variant.
Coding change: c.770C>T on transcript NM_000043.6 (MANE Select); coding-DNA position 770, C replaced by T.
Protein change: p.Ala257Val; replaces alanine 257 with valine.
Molecular consequence: missense variant. On other transcripts: 3 prime UTR variant (2), non-coding transcript variant (7).
Genome position (GRCh38, 1-based): chr10:89,014,212, C>T. VCF-style: chr10-89014212-C-T. GRCh37 (hg19) VCF-style: chr10-90773969-C-T.
Other names: c.*82C>T (NM_152872.4); c.*93C>T (NM_001320619.2); c.815C>T, p.Ala272Val (NM_001410956.1); c.707C>T, p.Ala236Val (NM_152871.4); short protein forms A272V, A236V, A257V.
Identifiers: ClinVar variation 4745956 (VCV004745956.1).
Genomic context (GRCh38, chr10:89,014,212, plus strand): 5'-CTGGAGTCATGACACTAAGTCAAGTTAAAGGCTTTGTTCGAAAGAATGGTGTCAATGAAG[C>T]CAAAATAGATGAGATCAAGAATGACAATGTCCAAGACACAGCAGAACAGAAAGTTCAACT-3'
Protein context (NP_000034.1, residues 247-267): GFVRKNGVNE[Ala257Val]KIDEIKNDNV

ClinVar aggregate classification (germline): Uncertain significance (1 of 4 stars; one submission).

Conditions:
Autoimmune lymphoproliferative syndrome type 1. Also called: AUTOIMMUNE LYMPHOPROLIFERATIVE SYNDROME, TYPE I, AUTOSOMAL DOMINANT. Identifiers: Orphanet 3261, MedGen C2717884, MONDO:0011158, OMIM 601859.

gnomAD v4.1: 1 of 1,613,782 alleles (0.000062%); highest among the groups gnomAD compares: Non-Finnish European, 0.000085%; no homozygotes.

Submission:

Labcorp Genetics (formerly Invitae), Labcorp
Classification: Uncertain significance for Autoimmune lymphoproliferative syndrome. Last evaluated: 2025-04-10. Review status: criteria provided, single submitter. Criteria: Invitae Variant Classification Sherloc (09022015). Collection method: clinical testing. Allele origin: germline.
Comment: This sequence change replaces alanine, which is neutral and non-polar, with valine, which is neutral and non-polar, at codon 257 of the FAS protein (p.Ala257Val). This variant is not present in population databases (gnomAD no frequency). This variant has not been reported in the literature in individuals affected with FAS-related conditions. An algorithm developed to predict the effect of missense changes on protein structure and function outputs the following: PolyPhen-2: "Benign". The valine amino acid residue is found in multiple mammalian species, which suggests that this missense change does not adversely affect protein function. In summary, the available evidence is currently insufficient to determine the role of this variant in disease. Therefore, it has been classified as a Variant of Uncertain Significance.